The following is an entry in ClinVar:

NM_003265.3(TLR3):c.1559A>G (p.Asn520Ser)

Gene: TLR3 (toll like receptor 3; plus strand). Cytogenetic location: 4q35.1.
Variant type: single nucleotide variant.
Coding change: c.1559A>G on transcript NM_003265.3 (MANE Select); coding-DNA position 1559, A replaced by G.
Protein change: p.Asn520Ser; replaces asparagine 520 with serine.
Molecular consequence: missense variant.
Genome position (GRCh38, 1-based): chr4:186,083,245, A>G. VCF-style: chr4-186083245-A-G. GRCh37 (hg19) VCF-style: chr4-187004399-A-G.
Other names: short protein forms N520S.
Identifiers: ClinVar variation 639936 (VCV000639936.9), dbSNP rs1051348300, ClinGen allele CA112098273.

ClinVar aggregate classification (germline): Uncertain significance (1 of 4 stars; one submission).

Conditions:
Encephalopathy, acute, infection-induced (herpes-specific), susceptibility to, 1. Also called: Herpes simplex encephalitis, susceptibility to, 1. Identifiers: Orphanet 1930, MedGen C2750180, MONDO:0024563, OMIM 610551.

Allele frequency attached by ClinVar (database versions not stated): TOPMed 0.00002; gnomAD exomes 0.00001 and 0.00002.
gnomAD v4.1: 25 of 1,614,218 alleles (0.0015%); highest among the groups gnomAD compares: African/African-American, 0.004%; no homozygotes.

Submission:

Labcorp Genetics (formerly Invitae), Labcorp
Classification: Uncertain significance for Encephalopathy, acute, infection-induced (herpes-specific), susceptibility to, 1. Last evaluated: 2025-04-30. Review status: criteria provided, single submitter. Criteria: Invitae Variant Classification Sherloc (09022015). Collection method: clinical testing. Allele origin: germline.
Comment: This sequence change replaces asparagine, which is neutral and polar, with serine, which is neutral and polar, at codon 520 of the TLR3 protein (p.Asn520Ser). This variant is present in population databases (no rsID available, gnomAD 0.002%). This variant has not been reported in the literature in individuals affected with TLR3-related conditions. ClinVar contains an entry for this variant (Variation ID: 639936). An algorithm developed to predict the effect of missense changes on protein structure and function outputs the following: PolyPhen-2: "Benign". The serine amino acid residue is found in multiple mammalian species, which suggests that this missense change does not adversely affect protein function. In summary, the available evidence is currently insufficient to determine the role of this variant in disease. Therefore, it has been classified as a Variant of Uncertain Significance.